The following is an entry in ClinVar:

ClinVar aggregate classification (germline): Uncertain significance. Review status: criteria provided, multiple submitters, no conflicts (2 of 4 stars). 4 submissions from 4 submitters: Uncertain significance (4). Last evaluated 2025-04-17.

Conditions:
Saldino-Mainzer syndrome (SRTD9). Also called: CONORENAL SYNDROME; Renal dysplasia, retinal pigmentary dystrophy, cerebellar ataxia and skeletal dysplasia; short-rib thoracic dysplasia 9 with or without polydactyly; SHORT-RIB THORACIC DYSPLASIA 9 WITHOUT POLYDACTYLY. Identifiers: Orphanet 140969, MedGen C1849437, MONDO:0009964, OMIM 266920.
Retinitis pigmentosa 80 (RP80). Identifiers: MedGen C4540439, MONDO:0054708, OMIM 617781.
Retinal dystrophy. Also called: Inherited retinal dystrophy. Identifiers: Orphanet 71862, MedGen C0854723, MeSH D058499, MONDO:0019118, HP:0000556.

Allele frequency attached by ClinVar (database versions not stated): gnomAD 0.00003 and 0.00005; TOPMed 0.00004; gnomAD exomes 0.00005 and 0.00006; ExAC 0.00009; 1000 Genomes Project 30x 0.00016; 1000 Genomes Project 0.00020.

Submissions (4):

Labcorp Genetics (formerly Invitae), Labcorp
Classification: Uncertain significance for Saldino-Mainzer syndrome. Last evaluated: 2025-04-17. Review status: criteria provided, single submitter. Criteria: Invitae Variant Classification Sherloc (09022015). Collection method: clinical testing. Allele origin: germline.
Comment: This sequence change replaces arginine, which is basic and polar, with glutamine, which is neutral and polar, at codon 713 of the IFT140 protein (p.Arg713Gln). This variant is present in population databases (rs200440483, gnomAD 0.05%). This missense change has been observed in individual(s) with retinal dystrophy (PMID: 32037395). ClinVar contains an entry for this variant (Variation ID: 1496124). Invitae Evidence Modeling of protein sequence and biophysical properties (such as structural, functional, and spatial information, amino acid conservation, physicochemical variation, residue mobility, and thermodynamic stability) indicates that this missense variant is not expected to disrupt IFT140 protein function with a negative predictive value of 80%. In summary, the available evidence is currently insufficient to determine the role of this variant in disease. Therefore, it has been classified as a Variant of Uncertain Significance.

Blueprint Genetics
Classification: Uncertain significance. Last evaluated: 2024-09-09. Review status: criteria provided, single submitter. Criteria: ACMG Guidelines, 2015. Collection method: clinical testing. Allele origin: germline.

Fulgent Genetics
Classification: Uncertain significance for Saldino-Mainzer syndrome; Retinitis pigmentosa 80. Last evaluated: 2024-03-26. Review status: criteria provided, single submitter. Criteria: ACMG Guidelines, 2015. Collection method: clinical testing. Allele origin: germline.

Dept Of Ophthalmology, Nagoya University
Classification: Uncertain significance for Retinal dystrophy. Last evaluated: 2023-10-01. Review status: criteria provided, single submitter. Criteria: Submitter's publication. Collection method: research. Allele origin: germline. Affected: yes.

Literature cited by the submitters: PubMed 32037395 (cited by Labcorp Genetics (formerly Invitae), Labcorp).

NM_014714.4(IFT140):c.2138G>A (p.Arg713Gln)

Gene: IFT140 (intraflagellar transport 140; minus strand). Cytogenetic location: 16p13.3.
Variant type: single nucleotide variant.
Coding change: c.2138G>A on transcript NM_014714.4 (MANE Select); coding-DNA position 2138, G replaced by A.
Protein change: p.Arg713Gln; replaces arginine 713 with glutamine.
Molecular consequence: missense variant.
Genome position (GRCh38, 1-based): chr16:1,562,046, C>T on the plus strand (G>A on the coding strand, the complement: IFT140 is on the minus strand). VCF-style: chr16-1562046-C-T. GRCh37 (hg19) VCF-style: chr16-1612047-C-T.
Other names: short protein forms R713Q.
Identifiers: ClinVar variation 1496124 (VCV001496124.10), dbSNP rs200440483, ClinGen allele CA7813995.